The following is an entry in ClinVar:

NM_000069.3(CACNA1S):c.3777G>A (p.Thr1259=)

Gene: CACNA1S (calcium voltage-gated channel subunit alpha1 S; minus strand). Cytogenetic location: 1q32.1.
Variant type: single nucleotide variant.
Coding change: c.3777G>A on transcript NM_000069.3 (MANE Select); coding-DNA position 3777, G replaced by A.
Protein change: p.Thr1259=; no amino-acid change (threonine 1259 retained).
Molecular consequence: synonymous variant.
Genome position (GRCh38, 1-based): chr1:201,053,477, C>T on the plus strand (G>A on the coding strand, the complement: CACNA1S is on the minus strand). VCF-style: chr1-201053477-C-T. GRCh37 (hg19) VCF-style: chr1-201022605-C-T.
Identifiers: ClinVar variation 473990 (VCV000473990.57), dbSNP rs147646714, ClinGen allele CA082815.

ClinVar aggregate classification (germline): Benign/Likely benign. Review status: criteria provided, multiple submitters, no conflicts (2 of 4 stars). 14 submissions from 11 submitters: Benign (4); Likely benign (9). 1 of the submissions does not count toward it. Last evaluated 2026-09-01.

Conditions:
Inborn genetic diseases. Identifiers: MedGen C0950123, MeSH D030342.
CACNA1S-related disorder. Also called: CACNA1S-related condition.
Hypokalemic periodic paralysis, type 1. Also called: Hypokalemic Periodic Paralysis Type 1 (AD); HypoPP. Identifiers: Orphanet 681, MedGen C3714580, MONDO:0042979, OMIM 170400.
Malignant hyperthermia, susceptibility to, 5 (MHS5). Also called: CACNA1S-Related Malignant Hyperthermia Susceptibility. Identifiers: Orphanet 423, MedGen C1866077, MONDO:0011163, OMIM 601887.
Congenital myopathy 18. Also called: DIHYDROPYRIDINE RECEPTOR CONGENITAL MYOPATHY; DHPR CONGENITAL MYOPATHY; Myopathy, congenital, due to dihydropyridine receptor defect. Identifiers: MedGen C5830283, MONDO:0859514, OMIM 620246.
Thyrotoxic periodic paralysis, susceptibility to, 1 (TTPP1). Identifiers: Orphanet 79102, MedGen C2749982, MONDO:0008570, OMIM 188580.

Allele frequency attached by ClinVar (database versions not stated): ESP Exome Variant Server 0.00008; TOPMed 0.00010; gnomAD exomes 0.00014; gnomAD 0.00015 and 0.00016; ExAC 0.00021.
gnomAD v4.1: 224 of 1,614,034 alleles (0.014%); highest among the groups gnomAD compares: Non-Finnish European, 0.017%; 1 homozygote.

Submissions (14):

CeGaT Center for Human Genetics Tuebingen
Classification: Likely benign. Last evaluated: 2026-09-01. Review status: criteria provided, single submitter. Criteria: CeGaT Center For Human Genetics Tuebingen Variant Classification Criteria Version 2. Collection method: clinical testing. Allele origin: germline. Affected: yes. Observed: 6 variant alleles.
Comment: CACNA1S: BP4, BP7

Ambry Genetics
Classification: Likely benign for Inborn genetic diseases. Last evaluated: 2026-07-01. Review status: criteria provided, single submitter. Criteria: Ambry Variant Classification Scheme 2023. Collection method: clinical testing. Allele origin: germline.

Women's Health and Genetics/Laboratory Corporation of America, LabCorp
Classification: Likely benign. Last evaluated: 2026-06-29. Review status: criteria provided, single submitter. Criteria: LabCorp Variant Classification Summary - May 2015. Collection method: clinical testing. Allele origin: germline.

Labcorp Genetics (formerly Invitae), Labcorp
Classification: Likely benign for Hypokalemic periodic paralysis, type 1; Malignant hyperthermia, susceptibility to, 5. Last evaluated: 2026-01-17. Review status: criteria provided, single submitter. Criteria: Invitae Variant Classification Sherloc (09022015). Collection method: clinical testing. Allele origin: germline.

Blueprint Genetics
Classification: Likely benign. Last evaluated: 2024-10-09. Review status: criteria provided, single submitter. Criteria: ACMG Guidelines, 2015. Collection method: clinical testing. Allele origin: germline.

All of Us Research Program, National Institutes of Health
Classification: Likely benign for Malignant hyperthermia, susceptibility to, 5. Last evaluated: 2024-02-05. Review status: criteria provided, single submitter. Criteria: ACMG Guidelines, 2015. Collection method: clinical testing. Allele origin: germline. Inheritance: Autosomal dominant inheritance. Observed: 66 variant alleles, 66 heterozygotes.
Comment: This study involves interpretation of variants in research participants for the purpose of population health screening. Participant phenotype was not available at the time of variant classification. Additional details can be found in publication PMID: 35346344, PMCID: PMC8962531

Genome-Nilou Lab
Classification: Benign for Malignant hyperthermia, susceptibility to, 5. Last evaluated: 2023-04-11. Review status: criteria provided, single submitter. Criteria: ACMG Guidelines, 2015. Collection method: clinical testing. Allele origin: germline. Affected: no.

Genome-Nilou Lab
Classification: Benign for Thyrotoxic periodic paralysis, susceptibility to, 1. Last evaluated: 2023-04-11. Review status: criteria provided, single submitter. Criteria: ACMG Guidelines, 2015. Collection method: clinical testing. Allele origin: germline. Affected: no.

Genome-Nilou Lab
Classification: Benign for Congenital myopathy 18. Last evaluated: 2023-04-11. Review status: criteria provided, single submitter. Criteria: ACMG Guidelines, 2015. Collection method: clinical testing. Allele origin: germline. Affected: no.

Genome-Nilou Lab
Classification: Benign for Hypokalemic periodic paralysis, type 1. Last evaluated: 2023-04-11. Review status: criteria provided, single submitter. Criteria: ACMG Guidelines, 2015. Collection method: clinical testing. Allele origin: germline. Affected: no.

Color Diagnostics, LLC DBA Color Health
Classification: Likely benign for Malignant hyperthermia, susceptibility to, 5. Last evaluated: 2022-11-06. Review status: criteria provided, single submitter. Criteria: ACMG Guidelines, 2015. Collection method: clinical testing. Allele origin: germline.

Fulgent Genetics
Classification: Likely benign for Hypokalemic periodic paralysis, type 1; Thyrotoxic periodic paralysis, susceptibility to, 1; Malignant hyperthermia, susceptibility to, 5. Last evaluated: 2021-12-28. Review status: criteria provided, single submitter. Criteria: ACMG Guidelines, 2015. Collection method: clinical testing. Allele origin: unknown.

GeneDx
Classification: Likely benign. Last evaluated: 2017-12-27. Review status: criteria provided, single submitter. Criteria: GeneDx Variant Classification (06012015). Collection method: clinical testing. Allele origin: germline. Affected: yes.
Comment: This variant is considered likely benign or benign based on one or more of the following criteria: it is a conservative change, it occurs at a poorly conserved position in the protein, it is predicted to be benign by multiple in silico algorithms, and/or has population frequency not consistent with disease.

PreventionGenetics, part of Exact Sciences
Classification: Likely benign for CACNA1S-related condition. Last evaluated: 2024-01-30. Review status: no assertion criteria provided. Collection method: clinical testing. Allele origin: germline. Not counted in ClinVar's aggregate classification.
Comment: This variant is classified as likely benign based on ACMG/AMP sequence variant interpretation guidelines (Richards et al. 2015 PMID: 25741868, with internal and published modifications).